The following is an entry in ClinVar:

ClinVar aggregate classification (germline): Uncertain significance. Review status: criteria provided, multiple submitters, no conflicts (2 of 4 stars). 4 submissions from 4 submitters: Uncertain significance (3). 1 of the submissions does not count toward it. Last evaluated 2021-09-08.

Conditions:
Deficiency of galactokinase. Also called: GALACTOSEMIA II; Galactokinase deficiency with cataracts. Identifiers: Orphanet 352, Orphanet 79237, MedGen C0268155, MONDO:0009255, OMIM 230200.

Allele frequency attached by ClinVar (database versions not stated): TOPMed 0.00010; gnomAD 0.00011; 1000 Genomes Project 30x 0.00016; 1000 Genomes Project 0.00020.
gnomAD v4.1: 140 of 1,605,050 alleles (0.0087%); highest among the groups gnomAD compares: Middle Eastern, 0.017%; no homozygotes.

Submissions (4):

Labcorp Genetics (formerly Invitae), Labcorp
Classification: Uncertain significance for Deficiency of galactokinase. Last evaluated: 2021-09-08. Review status: criteria provided, single submitter. Criteria: Invitae Variant Classification Sherloc (09022015). Collection method: clinical testing. Allele origin: germline.
Comment: This sequence change replaces arginine with tryptophan at codon 366 of the GALK1 protein (p.Arg366Trp). The arginine residue is weakly conserved and there is a moderate physicochemical difference between arginine and tryptophan. This variant is present in population databases (rs536478616, ExAC 0.02%). This variant has not been reported in the literature in individuals affected with GALK1-related conditions. ClinVar contains an entry for this variant (Variation ID: 325224). Algorithms developed to predict the effect of missense changes on protein structure and function are either unavailable or do not agree on the potential impact of this missense change (SIFT: "Tolerated"; PolyPhen-2: "Possibly Damaging"; Align-GVGD: "Class C0"). In summary, the available evidence is currently insufficient to determine the role of this variant in disease. Therefore, it has been classified as a Variant of Uncertain Significance.

Genome-Nilou Lab
Classification: Uncertain significance for Deficiency of galactokinase. Last evaluated: 2021-06-10. Review status: criteria provided, single submitter. Criteria: ACMG Guidelines, 2015. Collection method: clinical testing. Allele origin: germline. Affected: no.

Illumina Laboratory Services, Illumina
Classification: Uncertain significance for Deficiency of galactokinase. Last evaluated: 2018-01-13. Review status: criteria provided, single submitter. Criteria: ICSL Variant Classification Criteria 13 December 2019. Collection method: clinical testing. Allele origin: germline.

Natera, Inc.
Classification: Uncertain significance for Deficiency of galactokinase. Last evaluated: 2019-10-28. Review status: no assertion criteria provided. Collection method: clinical testing. Allele origin: germline. Not counted in ClinVar's aggregate classification.

NM_000154.2(GALK1):c.1096C>T (p.Arg366Trp)

Gene: GALK1 (galactokinase 1; minus strand). Cytogenetic location: 17q25.1.
Variant type: single nucleotide variant.
Coding change: c.1096C>T on transcript NM_000154.2 (MANE Select); coding-DNA position 1096, C replaced by T.
Protein change: p.Arg366Trp; replaces arginine 366 with tryptophan.
Molecular consequence: missense variant.
Genome position (GRCh38, 1-based): chr17:75,758,221, G>A on the plus strand (C>T on the coding strand, the complement: GALK1 is on the minus strand). VCF-style: chr17-75758221-G-A. GRCh37 (hg19) VCF-style: chr17-73754302-G-A.
Other names: short protein forms R366W.
Identifiers: ClinVar variation 325224 (VCV000325224.14), dbSNP rs536478616, ClinGen allele CA8770741.